The following is an entry in ClinVar:

ClinVar aggregate classification (germline): Likely benign. Review status: criteria provided, multiple submitters, no conflicts (2 of 4 stars). 2 submissions from 2 submitters: Likely benign (2). Last evaluated 2026-01-17.

Conditions:
RPGRIP1L-related disorder. Also called: RPGRIP1L-related disorders; RPGRIP1L-related condition. Identifiers: MedGen CN239416.
Meckel-Gruber syndrome. Also called: GRUBER SYNDROME; Dysencephalia splachnocystica; DYSENCEPHALIA SPLANCHNOCYSTICA. Identifiers: Orphanet 564, MedGen C0265215, MONDO:0018921.
Joubert syndrome. Also called: Familial aplasia of the vermis; JOUBERT-BOLTSHAUSER SYNDROME. Identifiers: Orphanet 475, MedGen C5979921, MONDO:0018772.

Allele frequency attached by ClinVar (database versions not stated): gnomAD exomes 0.00001; TOPMed 0.00002.
gnomAD v4.1: 13 of 1,444,238 alleles (0.0009%); highest among the groups gnomAD compares: East Asian, 0.03%; no homozygotes.

Submissions (2):

Labcorp Genetics (formerly Invitae), Labcorp
Classification: Likely benign for Joubert syndrome; Meckel-Gruber syndrome. Last evaluated: 2026-01-17. Review status: criteria provided, single submitter. Criteria: Invitae Variant Classification Sherloc (09022015). Collection method: clinical testing. Allele origin: germline.

PreventionGenetics, part of Exact Sciences
Classification: Likely benign for RPGRIP1L-related condition. Last evaluated: 2024-11-07. Review status: criteria provided, single submitter. Criteria: ACMG Guidelines, 2015. Collection method: clinical testing. Allele origin: germline.
Comment: This variant is classified as likely benign based on ACMG/AMP sequence variant interpretation guidelines (Richards et al. 2015 PMID: 25741868, with internal and published modifications).

NM_015272.5(RPGRIP1L):c.1030-8C>T

Gene: RPGRIP1L (RPGRIP1 like; minus strand). Cytogenetic location: 16q12.2.
Variant type: single nucleotide variant.
Coding change: c.1030-8C>T on transcript NM_015272.5 (MANE Select); 8 bases into the intron before coding-DNA position 1030, C replaced by T.
Molecular consequence: intron variant.
Genome position (GRCh38, 1-based): chr16:53,671,591, G>A on the plus strand (C>T on the coding strand, the complement: RPGRIP1L is on the minus strand). VCF-style: chr16-53671591-G-A. GRCh37 (hg19) VCF-style: chr16-53705503-G-A.
Other names: c.1030-8C>T (NM_001127897.4, NM_001330538.2, NM_001308334.3 and 1 more transcripts).
Identifiers: ClinVar variation 728637 (VCV000728637.12), dbSNP rs907172288, ClinGen allele CA281354942.